The following is an entry in ClinVar:

NM_002528.7(NTHL1):c.262C>G (p.Leu88Val)

Gene: NTHL1 (nth like DNA glycosylase 1; minus strand). Cytogenetic location: 16p13.3.
Variant type: single nucleotide variant.
Coding change: c.262C>G on transcript NM_002528.7 (MANE Select); coding-DNA position 262, C replaced by G.
Protein change: p.Leu88Val; replaces leucine 88 with valine.
Molecular consequence: missense variant. On other transcripts: intron variant (1).
Genome position (GRCh38, 1-based): chr16:2,046,220, G>C on the plus strand (C>G on the coding strand, the complement: NTHL1 is on the minus strand). VCF-style: chr16-2046220-G-C. GRCh37 (hg19) VCF-style: chr16-2096221-G-C.
Other names: c.262C>G, p.Leu88Val (NM_001318193.2); c.24+60C>G (NM_001318194.2); short protein forms L88V.
Identifiers: ClinVar variation 2451101 (VCV002451101.3), dbSNP rs2084371504, ClinGen allele CA394297010.
Genomic context (GRCh38, chr16:2,046,220, plus strand): 5'-CAGTCCCCAGATGGTCCACAGGTGCATCCTTTTTGTTCCTCATGGCACGGATGTTGACCA[G>C]CTGTTGCTGCCAGTCCTGGGGCTCCCAGACTGGCACCTTGAGGGGCTCAGCCCCCTCACC-3'
Protein context (NP_002519.2, residues 78-98): VWEPQDWQQQ[Leu88Val]VNIRAMRNKK

ClinVar aggregate classification (germline): Uncertain significance. Review status: criteria provided, multiple submitters, no conflicts (2 of 4 stars). 2 submissions from 2 submitters: Uncertain significance (2). Last evaluated 2025-10-27.

Conditions:
Hereditary cancer-predisposing syndrome. Also called: Neoplastic Syndromes, Hereditary; Tumor predisposition; Hereditary neoplastic syndrome; Hereditary Cancer Syndrome. Identifiers: Orphanet 140162, MedGen C0027672, MeSH D009386, MONDO:0015356.

Submissions (2):

Labcorp Genetics (formerly Invitae), Labcorp
Classification: Uncertain significance. Last evaluated: 2025-10-27. Review status: criteria provided, single submitter. Criteria: Invitae Variant Classification Sherloc (09022015). Collection method: clinical testing. Allele origin: germline.
Comment: This sequence change replaces leucine, which is neutral and non-polar, with valine, which is neutral and non-polar, at codon 96 of the NTHL1 protein (p.Leu96Val). This variant is not present in population databases (gnomAD no frequency). This variant has not been reported in the literature in individuals affected with NTHL1-related conditions. ClinVar contains an entry for this variant (Variation ID: 2451101). An algorithm developed to predict the effect of missense changes on protein structure and function (PolyPhen-2) suggests that this variant is likely to be tolerated. In summary, the available evidence is currently insufficient to determine the role of this variant in disease. Therefore, it has been classified as a Variant of Uncertain Significance.

Ambry Genetics
Classification: Uncertain significance for Hereditary cancer-predisposing syndrome. Last evaluated: 2022-12-16. Review status: criteria provided, single submitter. Criteria: Ambry Variant Classification Scheme 2023. Collection method: clinical testing. Allele origin: germline.
Comment: The p.L96V variant (also known as c.286C>G), located in coding exon 2 of the NTHL1 gene, results from a C to G substitution at nucleotide position 286. The leucine at codon 96 is replaced by valine, an amino acid with highly similar properties. This amino acid position is conserved. In addition, this alteration is predicted to be tolerated by in silico analysis. Since supporting evidence is limited at this time, the clinical significance of this alteration remains unclear.